The following is an entry in ClinVar:

NM_021871.4(FGA):c.244A>C (p.Thr82Pro)

Gene: FGA (fibrinogen alpha chain; minus strand). Cytogenetic location: 4q31.3.
Variant type: single nucleotide variant.
Coding change: c.244A>C on transcript NM_021871.4 (MANE Select); coding-DNA position 244, A replaced by C.
Protein change: p.Thr82Pro; replaces threonine 82 with proline.
Molecular consequence: missense variant.
Genome position (GRCh38, 1-based): chr4:154,588,913, T>G on the plus strand (A>C on the coding strand, the complement: FGA is on the minus strand). VCF-style: chr4-154588913-T-G. GRCh37 (hg19) VCF-style: chr4-155510065-T-G.
Other names: c.244A>C (LRG_557t2); c.244A>C, p.Thr82Pro (NM_000508.5); short protein forms T82P.
Identifiers: ClinVar variation 347822 (VCV000347822.10), dbSNP rs199554805, ClinGen allele CA3115349.
Genomic context (GRCh38, chr4:154,588,913, plus strand): 5'-AATCCTTATTGTTCTTCTGATATTCAAATAGTGAATTTTTGAGCTTATTTATTCTGTTTG[T>G]AAAATCTTGATTGACTTCATCAATCAACCCTTTCATCCTGCAGCCAGAAGGGCATTTGTA-3'
Protein context (NP_068657.1, residues 72-92): GLIDEVNQDF[Thr82Pro]NRINKLKNSL

ClinVar aggregate classification (germline): Conflicting classifications of pathogenicity. Review status: criteria provided, conflicting classifications (1 of 4 stars). 5 submissions from 4 submitters: Uncertain significance (3); Benign (1); Likely benign (1). Last evaluated 2026-06-26.

Conditions:
Familial visceral amyloidosis, Ostertag type (AMYLD2). Also called: Ostertag type amyloidosis; AMYLOIDOSIS VIII; Hereditary Renal Amyloidosis; Familial visceral amyloidosis; Amyloidosis, hepatic and systemic; AMYLOIDOSIS, HEREDITARY SYSTEMIC 2. Identifiers: Orphanet 85450, MedGen C0268389, MONDO:0007099, OMIM 105200.
Congenital afibrinogenemia. Identifiers: Orphanet 335, Orphanet 98880, MedGen C2584774, MONDO:0008737, OMIM 202400.

Allele frequency attached by ClinVar (database versions not stated): gnomAD 0.00029 and 0.00031; ESP Exome Variant Server 0.00031; TOPMed 0.00020.
gnomAD v4.1: 398 of 1,613,524 alleles (0.025%); highest among the groups gnomAD compares: Non-Finnish European, 0.033%; 2 homozygotes.

Submissions (5):

Women's Health and Genetics/Laboratory Corporation of America, LabCorp
Classification: Uncertain significance. Last evaluated: 2026-06-26. Review status: criteria provided, single submitter. Criteria: LabCorp Variant Classification Summary - May 2015. Collection method: clinical testing. Allele origin: germline.
Comment: Variant summary: FGA c.244A>C (p.Thr82Pro) results in a non-conservative amino acid change in the encoded protein sequence. Algorithms developed to predict the effect of missense changes on protein structure and function are either unavailable or do not agree on the potential impact of this missense change. The variant allele was found at a frequency of 0.0002 in 250392 control chromosomes. This frequency is not significantly higher than estimated for disease-causing variants in FGA, allowing no conclusion about variant significance. To our knowledge, no occurrence of c.244A>C in individuals affected with FGA-related conditions and no experimental evidence demonstrating its impact on protein function have been reported. ClinVar contains an entry for this variant (Variation ID: 347822). Based on the evidence outlined above, the variant was classified as uncertain significance.

GeneDx
Classification: Uncertain significance. Last evaluated: 2025-06-11. Review status: criteria provided, single submitter. Criteria: GeneDx Variant Classification Process June 2021. Collection method: clinical testing. Allele origin: germline. Affected: yes.
Comment: In silico analysis supports that this missense variant has a deleterious effect on protein structure/function; Has not been previously published as pathogenic or benign to our knowledge

Laboratory of Genetics, Children's Clinical University Hospital Latvia
Classification: Likely benign. Last evaluated: 2025-02-16. Review status: criteria provided, single submitter. Criteria: ACMG Guidelines, 2015. Collection method: clinical testing. Allele origin: germline. Affected: yes.

Illumina Laboratory Services, Illumina
Classification: Uncertain significance for Congenital afibrinogenemia. Last evaluated: 2018-01-13. Review status: criteria provided, single submitter. Criteria: ICSL Variant Classification Criteria 13 December 2019. Collection method: clinical testing. Allele origin: germline.

Illumina Laboratory Services, Illumina
Classification: Benign for Familial visceral amyloidosis, Ostertag type. Last evaluated: 2018-01-13. Review status: criteria provided, single submitter. Criteria: ICSL Variant Classification Criteria 13 December 2019. Collection method: clinical testing. Allele origin: germline.
Comment: This variant was observed in the ICSL laboratory as part of a predisposition screen in an ostensibly healthy population. It had not been previously curated by ICSL or reported in the Human Gene Mutation Database (HGMD: prior to June 1st, 2018), and was therefore a candidate for classification through an automated scoring system. Utilizing variant allele frequency, disease prevalence and penetrance estimates, and inheritance mode, an automated score was calculated to assess if this variant is too frequent to cause the disease. Based on the score and internal cut-off values, a variant classified as benign is not then subjected to further curation. The score for this variant resulted in a classification of benign for this disease.